The following is an entry in ClinVar:

NM_007294.4(BRCA1):c.5074+820T>C

Gene: BRCA1 (BRCA1 DNA repair associated; minus strand). Cytogenetic location: 17q21.31.
Variant type: single nucleotide variant.
Coding change: c.5074+820T>C on transcript NM_007294.4 (MANE Select); 820 bases into the intron after coding-DNA position 5074, T replaced by C.
Molecular consequence: intron variant.
Genome position (GRCh38, 1-based): chr17:43,066,788, A>G on the plus strand (T>C on the coding strand, the complement: BRCA1 is on the minus strand). VCF-style: chr17-43066788-A-G. GRCh37 (hg19) VCF-style: chr17-41218805-A-G.
Other names: IVS 17+820T>C; c.1621+820T>C (NM_001408458.1, NM_001408461.1, NM_001408464.1 and 7 more transcripts); c.4183+820T>C (NM_001407967.1); c.4693+820T>C (NM_001407959.1); c.4807+820T>C (NM_001407931.1, NM_001407932.1, NM_001407928.1 and 4 more transcripts); c.4930+820T>C (NM_001407747.1, NM_001407745.1, NM_001407737.1 and 21 more transcripts); c.4690+820T>C (NM_001407962.1, NM_001407960.1); c.1261+820T>C (NM_001408512.1); and 72 more.
Identifiers: ClinVar variation 209345 (VCV000209345.2), dbSNP rs8176236, ClinGen allele CA276317.

ClinVar aggregate classification (germline): Benign (3 of 4 stars; one submission).

Conditions:
Breast-ovarian cancer, familial, susceptibility to, 1 (BROVCA1). Also called: BRCA1 Hereditary Breast and Ovarian Cancer; OVARIAN CANCER, SUSCEPTIBILITY TO. Identifiers: Orphanet 145, MedGen C2676676, MONDO:0011450, OMIM 604370. Disease mechanism: loss of function.

Allele frequency attached by ClinVar (database versions not stated): gnomAD 0.10499 and 0.11080; 1000 Genomes Project 0.11542; TOPMed 0.11866; 1000 Genomes Project 30x 0.12102.
gnomAD v4.1: 14,934 of 143,716 alleles (10%); highest among the groups gnomAD compares: African/African-American, 35%; 2,396 homozygotes.

Submission:

Evidence-based Network for the Interpretation of Germline Mutant Alleles (ENIGMA)
Classification: Benign for Breast-ovarian cancer, familial 1. Last evaluated: 2015-01-12. Review status: reviewed by expert panel. Criteria: ENIGMA BRCA1/2 Classification Criteria (2015). Collection method: curation. Allele origin: germline.
Comment: Class 1 not pathogenic based on frequency >1% in an outbred sampleset. Frequency 0.3801 (African), derived from 1000 genomes (2012-04-30).